The following is an entry in ClinVar:

NM_025265.4(TSEN2):c.405G>A (p.Pro135=)

Gene: TSEN2 (tRNA splicing endonuclease subunit 2; plus strand). Cytogenetic location: 3p25.2.
Variant type: single nucleotide variant.
Coding change: c.405G>A on transcript NM_025265.4 (MANE Select); coding-DNA position 405, G replaced by A.
Protein change: p.Pro135=; no amino-acid change (proline 135 retained).
Molecular consequence: synonymous variant. On other transcripts: non-coding transcript variant (1).
Genome position (GRCh38, 1-based): chr3:12,503,358, G>A. VCF-style: chr3-12503358-G-A. GRCh37 (hg19) VCF-style: chr3-12544857-G-A.
Other names: c.405G>A, p.Pro135= (NM_001145392.2, NM_001145393.3, NM_001145394.2 and 3 more transcripts).
Identifiers: ClinVar variation 736209 (VCV000736209.11), dbSNP rs140728375, ClinGen allele CA2258508.
Genomic context (GRCh38, chr3:12,503,358, plus strand): 5'-GCGTAGACAGGGGCAGGATGAGAGTACAGTGCGCAGAATCCTCAAGGATTACACGAAACC[G>A]CTTGAGCATCCTCCTGTGAAAAGGAATGAAGAGGCTCAAGTGCATGACAAGCTTAACTCT-3'
Protein context (NP_079541.1, residues 125-145): VRRILKDYTK[Pro135=]LEHPPVKRNE

ClinVar aggregate classification (germline): Benign/Likely benign. Review status: criteria provided, multiple submitters, no conflicts (2 of 4 stars). 3 submissions from 3 submitters: Benign (1); Likely benign (1). 1 of the submissions does not count toward it. Last evaluated 2026-01-13.

Conditions:
TSEN2-related disorder. Also called: TSEN2-related condition.
Pontoneocerebellar hypoplasia. Also called: Pontocerebellar hypoplasia; Non-syndromic pontocerebellar hypoplasia. Identifiers: Orphanet 98523, MedGen C1261175, MONDO:0020135.

Allele frequency attached by ClinVar (database versions not stated): gnomAD exomes 0.00018 and 0.00028; 1000 Genomes Project 30x 0.00031; 1000 Genomes Project 0.00040; ExAC 0.00040; gnomAD 0.00080 and 0.00090; TOPMed 0.00103; ESP Exome Variant Server 0.00138.
gnomAD v4.1: 387 of 1,614,202 alleles (0.024%); highest among the groups gnomAD compares: African/African-American, 0.32%; 1 homozygote.

Submissions (3):

Labcorp Genetics (formerly Invitae), Labcorp
Classification: Benign. Last evaluated: 2026-01-13. Review status: criteria provided, single submitter. Criteria: Invitae Variant Classification Sherloc (09022015). Collection method: clinical testing. Allele origin: germline.

Illumina Laboratory Services, Illumina
Classification: Likely benign for Pontoneocerebellar hypoplasia. Last evaluated: 2018-01-13. Review status: criteria provided, single submitter. Criteria: ICSL Variant Classification Criteria 13 December 2019. Collection method: clinical testing. Allele origin: germline.
Comment: This variant was observed in the ICSL laboratory as part of a predisposition screen in an ostensibly healthy population. It had not been previously curated by ICSL or reported in the Human Gene Mutation Database (HGMD: prior to June 1st, 2018), and was therefore a candidate for classification through an automated scoring system. Utilizing variant allele frequency, disease prevalence and penetrance estimates, and inheritance mode, an automated score was calculated to assess if this variant is too frequent to cause the disease. Based on the score and internal cut-off values, a variant classified as likely benign is not then subjected to further curation. The score for this variant resulted in a classification of likely benign for this disease.

PreventionGenetics, part of Exact Sciences
Classification: Likely benign for TSEN2-related condition. Last evaluated: 2020-01-02. Review status: no assertion criteria provided. Collection method: clinical testing. Allele origin: germline. Not counted in ClinVar's aggregate classification.
Comment: This variant is classified as likely benign based on ACMG/AMP sequence variant interpretation guidelines (Richards et al. 2015 PMID: 25741868, with internal and published modifications).